The following is an entry in ClinVar:

ClinVar aggregate classification (germline): Conflicting classifications of pathogenicity. Review status: criteria provided, conflicting classifications (1 of 4 stars). 5 submissions from 5 submitters: Likely pathogenic (1); Uncertain significance (2); Likely benign (1). 1 of the submissions does not count toward it. Last evaluated 2025-10-29.

Conditions:
CPA1-related disorder. Also called: CPA1-related condition.
Hereditary pancreatitis (PCTT). Also called: Hereditary chronic pancreatitis; PRSS1-Related Hereditary Pancreatitis. Identifiers: Orphanet 676, MedGen C0238339, MONDO:0008185, OMIM 167800.

Allele frequency attached by ClinVar (database versions not stated): gnomAD 0.00001; TOPMed 0.00005; gnomAD exomes 0.00008; ExAC 0.00011.

Submissions (5):

Labcorp Genetics (formerly Invitae), Labcorp
Classification: Uncertain significance. Last evaluated: 2025-10-29. Review status: criteria provided, single submitter. Criteria: Invitae Variant Classification Sherloc (09022015). Collection method: clinical testing. Allele origin: germline.
Comment: This sequence change replaces glycine, which is neutral and non-polar, with serine, which is neutral and polar, at codon 277 of the CPA1 protein (p.Gly277Ser). This variant is present in population databases (rs782790983, gnomAD 0.06%), and has an allele count higher than expected for a pathogenic variant. This missense change has been observed in individual(s) with non-alcoholic chronic pancreatitis (PMID: 23955596). ClinVar contains an entry for this variant (Variation ID: 827562). Invitae Evidence Modeling of protein sequence and biophysical properties (such as structural, functional, and spatial information, amino acid conservation, physicochemical variation, residue mobility, and thermodynamic stability) indicates that this missense variant is expected to disrupt CPA1 protein function with a positive predictive value of 80%. Experimental studies have shown that this missense change affects CPA1 function (PMID: 23955596). In summary, the available evidence is currently insufficient to determine the role of this variant in disease. Therefore, it has been classified as a Variant of Uncertain Significance.

CeGaT Center for Human Genetics Tuebingen
Classification: Likely benign. Last evaluated: 2025-10-01. Review status: criteria provided, single submitter. Criteria: CeGaT Center For Human Genetics Tuebingen Variant Classification Criteria Version 2. Collection method: clinical testing. Allele origin: germline. Affected: yes. Observed: 1 variant allele.
Comment: CPA1: BS1

Ambry Genetics
Classification: Likely pathogenic for Hereditary pancreatitis. Last evaluated: 2025-05-13. Review status: criteria provided, single submitter. Criteria: Ambry Variant Classification Scheme 2023. Collection method: clinical testing. Allele origin: germline.
Comment: The p.G277S variant (also known as c.829G>A), located in coding exon 8 of the CPA1 gene, results from a G to A substitution at nucleotide position 829. The glycine at codon 277 is replaced by serine, an amino acid with similar properties. This variant was reported in one individual with chronic pancreatitis; CPA1 activity and secretion was undetectable in HEK293T cells (Witt H et al. Nat. Genet. 2013Oct;45(10):1216-20). Based on internal structural analysis, G277S is structurally destabilizing to CPA1 (Ambry internal data). This amino acid position is highly conserved in available vertebrate species. In addition, the in silico prediction for this alteration is inconclusive. Based on the majority of available evidence to date, this variant is likely to be pathogenic.

Blueprint Genetics
Classification: Uncertain significance. Last evaluated: 2021-11-19. Review status: criteria provided, single submitter. Criteria: ACMG Guidelines, 2015. Collection method: clinical testing. Allele origin: germline.

PreventionGenetics, part of Exact Sciences
Classification: Uncertain significance for CPA1-related condition. Last evaluated: 2024-03-27. Review status: no assertion criteria provided. Collection method: clinical testing. Allele origin: germline. Not counted in ClinVar's aggregate classification.
Comment: The CPA1 c.829G>A variant is predicted to result in the amino acid substitution p.Gly277Ser. This variant was reported in an individual with chronic pancreatitis and resulted in no detectable enzymatic activity in an in vitro functional assay (Witt et al. 2013. PubMed ID: 23955596). This variant is reported in 0.055% of alleles in individuals of Latino descent in gnomAD. At this time, the clinical significance of this variant is uncertain due to the absence of conclusive functional and genetic evidence.

Literature cited by the submitters: PubMed 23955596 (cited by Labcorp Genetics (formerly Invitae), Labcorp).

NM_001868.4(CPA1):c.829G>A (p.Gly277Ser)

Gene: CPA1 (carboxypeptidase A1; plus strand). Cytogenetic location: 7q32.2.
Variant type: single nucleotide variant.
Coding change: c.829G>A on transcript NM_001868.4 (MANE Select); coding-DNA position 829, G replaced by A.
Protein change: p.Gly277Ser; replaces glycine 277 with serine.
Molecular consequence: missense variant.
Genome position (GRCh38, 1-based): chr7:130,385,187, G>A. VCF-style: chr7-130385187-G-A. GRCh37 (hg19) VCF-style: chr7-130025028-G-A.
Other names: short protein forms G277S.
Identifiers: ClinVar variation 827562 (VCV000827562.22), dbSNP rs782790983, ClinGen allele CA4484972.